The following is an entry in ClinVar:

NM_017763.6(RNF43):c.920G>T (p.Arg307Leu)

Gene: RNF43 (ring finger protein 43; minus strand). Cytogenetic location: 17q22.
Variant type: single nucleotide variant.
Coding change: c.920G>T on transcript NM_017763.6 (MANE Select); coding-DNA position 920, G replaced by T.
Protein change: p.Arg307Leu; replaces arginine 307 with leucine.
Molecular consequence: missense variant.
Genome position (GRCh38, 1-based): chr17:58,360,181, C>A on the plus strand (G>T on the coding strand, the complement: RNF43 is on the minus strand). VCF-style: chr17-58360181-C-A. GRCh37 (hg19) VCF-style: chr17-56437542-C-A.
Other names: c.920G>T, p.Arg307Leu (NM_001305544.3); c.539G>T, p.Arg180Leu (NM_001305545.2); short protein forms R180L, R307L.
Identifiers: ClinVar variation 1489768 (VCV001489768.8), dbSNP rs373809449, ClinGen allele CA400333353.

ClinVar aggregate classification (germline): Uncertain significance (1 of 4 stars; one submission).

gnomAD v4.1: 1 of 1,613,888 alleles (0.000062%); highest among the groups gnomAD compares: Non-Finnish European, 0.000085%; no homozygotes.

Submission:

Labcorp Genetics (formerly Invitae), Labcorp
Classification: Uncertain significance. Last evaluated: 2021-06-17. Review status: criteria provided, single submitter. Criteria: Invitae Variant Classification Sherloc (09022015). Collection method: clinical testing. Allele origin: germline.
Comment: This variant has not been reported in the literature in individuals with RNF43-related conditions. In summary, the available evidence is currently insufficient to determine the role of this variant in disease. Therefore, it has been classified as a Variant of Uncertain Significance. Algorithms developed to predict the effect of missense changes on protein structure and function (SIFT, PolyPhen-2, Align-GVGD) all suggest that this variant is likely to be disruptive, but these predictions have not been confirmed by published functional studies and their clinical significance is uncertain. This variant is not present in population databases (ExAC no frequency). This sequence change replaces arginine with leucine at codon 307 of the RNF43 protein (p.Arg307Leu). The arginine residue is highly conserved and there is a moderate physicochemical difference between arginine and leucine.